The following is an entry in ClinVar:

NM_025137.4(SPG11):c.3922G>A (p.Glu1308Lys)

Gene: SPG11 (SPG11 vesicle trafficking associated, spatacsin; minus strand). Cytogenetic location: 15q21.1.
Variant type: single nucleotide variant.
Coding change: c.3922G>A on transcript NM_025137.4 (MANE Select); coding-DNA position 3922, G replaced by A.
Protein change: p.Glu1308Lys; replaces glutamic acid 1308 with lysine.
Molecular consequence: missense variant.
Genome position (GRCh38, 1-based): chr15:44,598,344, C>T on the plus strand (G>A on the coding strand, the complement: SPG11 is on the minus strand). VCF-style: chr15-44598344-C-T. GRCh37 (hg19) VCF-style: chr15-44890542-C-T.
Other names: c.3922G>A, p.Glu1308Lys (NM_001160227.2); short protein forms E1308K.
Identifiers: ClinVar variation 1319615 (VCV001319615.15), dbSNP rs779198786, ClinGen allele CA7534816.

ClinVar aggregate classification (germline): Uncertain significance. Review status: criteria provided, multiple submitters, no conflicts (2 of 4 stars). 5 submissions from 5 submitters: Uncertain significance (5). Last evaluated 2025-08-01.

Conditions:
Hereditary spastic paraplegia 11. Also called: SPASTIC PARAPLEGIA, AUTOSOMAL RECESSIVE, COMPLICATED, WITH THIN CORPUS CALLOSUM; SPASTIC PARAPLEGIA, AUTOSOMAL RECESSIVE, WITH MENTAL IMPAIRMENT AND THIN CORPUS CALLOSUM; Spastic Paraplegia 11; Spastic paraplegia, mental retardation and thin corpus callosum; Nakamura Osame syndrome; Autosomal recessive hereditary spastic paraplegia, mental impairment, and thin corpus callosum. Identifiers: Orphanet 2822, MedGen C1858479, MONDO:0011445, OMIM 604360.
Inborn genetic diseases. Identifiers: MedGen C0950123, MeSH D030342.

Allele frequency attached by ClinVar (database versions not stated): ExAC 0.00001; gnomAD exomes below 0.00001.

Submissions (5):

CeGaT Center for Human Genetics Tuebingen
Classification: Uncertain significance. Last evaluated: 2025-08-01. Review status: criteria provided, single submitter. Criteria: CeGaT Center For Human Genetics Tuebingen Variant Classification Criteria Version 2. Collection method: clinical testing. Allele origin: germline. Affected: yes. Observed: 1 variant allele.
Comment: SPG11: PM2, BP4

GeneDx
Classification: Uncertain significance. Last evaluated: 2024-12-08. Review status: criteria provided, single submitter. Criteria: GeneDx Variant Classification Process June 2021. Collection method: clinical testing. Allele origin: germline. Affected: yes.
Comment: Not observed at significant frequency in large population cohorts (gnomAD); In silico analysis indicates that this missense variant does not alter protein structure/function; Has not been previously published as pathogenic or benign to our knowledge

Labcorp Genetics (formerly Invitae), Labcorp
Classification: Uncertain significance for Hereditary spastic paraplegia 11. Last evaluated: 2022-04-28. Review status: criteria provided, single submitter. Criteria: Invitae Variant Classification Sherloc (09022015). Collection method: clinical testing. Allele origin: germline.
Comment: This sequence change replaces glutamic acid, which is acidic and polar, with lysine, which is basic and polar, at codon 1308 of the SPG11 protein (p.Glu1308Lys). This variant is present in population databases (rs779198786, gnomAD 0.0009%). This variant has not been reported in the literature in individuals affected with SPG11-related conditions. ClinVar contains an entry for this variant (Variation ID: 1319615). Algorithms developed to predict the effect of missense changes on protein structure and function output the following: SIFT: "Tolerated"; PolyPhen-2: "Benign"; Align-GVGD: "Class C0". The lysine amino acid residue is found in multiple mammalian species, which suggests that this missense change does not adversely affect protein function. In summary, the available evidence is currently insufficient to determine the role of this variant in disease. Therefore, it has been classified as a Variant of Uncertain Significance.

Ambry Genetics
Classification: Uncertain significance for Inborn genetic diseases. Last evaluated: 2021-12-16. Review status: criteria provided, single submitter. Criteria: Ambry Variant Classification Scheme 2023. Collection method: clinical testing. Allele origin: germline.
Comment: The p.E1308K variant (also known as c.3922G>A), located in coding exon 23 of the SPG11 gene, results from a G to A substitution at nucleotide position 3922. The glutamic acid at codon 1308 is replaced by lysine, an amino acid with similar properties. This amino acid position is conserved. In addition, this alteration is predicted to be tolerated by in silico analysis. Since supporting evidence is limited at this time, the clinical significance of this alteration remains unclear.

Institute for Clinical Genetics, University Hospital TU Dresden, University Hospital TU Dresden
Classification: Uncertain significance. Last evaluated: 2021-11-03. Review status: criteria provided, single submitter. Criteria: ACMG Guidelines, 2015. Collection method: clinical testing. Allele origin: germline.